The following is an entry in ClinVar:

NM_001367721.1(CASK):c.2448T>G (p.Tyr816Ter)

Gene: CASK (calcium/calmodulin dependent serine protein kinase; minus strand). Cytogenetic location: Xp11.4.
Variant type: single nucleotide variant.
Coding change: c.2448T>G on transcript NM_001367721.1 (MANE Select); coding-DNA position 2448, T replaced by G.
Protein change: p.Tyr816Ter; replaces tyrosine 816 with a stop codon.
Molecular consequence: nonsense.
Genome position (GRCh38, 1-based): chrX:41,531,079, A>C on the plus strand (T>G on the coding strand, the complement: CASK is on the minus strand). VCF-style: chrX-41531079-A-C. GRCh37 (hg19) VCF-style: chrX-41390332-A-C.
Other names: c.2364T>G, p.Tyr788Ter (NM_001126054.3); c.2361T>G, p.Tyr787Ter (NM_001126055.3); c.2430T>G, p.Tyr810Ter (NM_001410745.1); c.2433T>G, p.Tyr811Ter (NM_003688.4); short protein forms Y787*, Y788*, Y811*, Y810*, Y816*.
Identifiers: ClinVar variation 4715720 (VCV004715720.1).
Genomic context (GRCh38, chrX:41,531,079, plus strand): 5'-GTCCAGTATTGCAATCAGCCCCTGCTCGTGGATCTTCCGGATGGTCTCCAGTTTTGTCCC[A>C]TACATCGCATCCTCGTGGCTGCCGTACTCCAAGTACTCGTTATTAGAGATGTCTTGCATC-3'

ClinVar aggregate classification (germline): Pathogenic (1 of 4 stars; one submission).

Conditions:
Intellectual disability, CASK-related, X-linked. Identifiers: MedGen CN043158.

Submission:

Labcorp Genetics (formerly Invitae), Labcorp
Classification: Pathogenic for Intellectual disability, CASK-related, X-linked. Last evaluated: 2025-03-23. Review status: criteria provided, single submitter. Criteria: Invitae Variant Classification Sherloc (09022015). Collection method: clinical testing. Allele origin: germline.
Comment: This sequence change creates a premature translational stop signal (p.Tyr811*) in the CASK gene. It is expected to result in an absent or disrupted protein product. Loss-of-function variants in CASK are known to be pathogenic (PMID: 19165920, 20029458, 21954287, 22452838, 22709267). This variant is not present in population databases (gnomAD no frequency). This variant has not been reported in the literature in individuals affected with CASK-related conditions. For these reasons, this variant has been classified as Pathogenic.

Literature cited by the submitters: PubMed 19165920; PubMed 20029458; PubMed 21954287; PubMed 22452838; PubMed 22709267.